The following is an entry in ClinVar:

ClinVar aggregate classification (germline): Uncertain significance (1 of 4 stars; one submission).

Conditions:
Alzheimer disease. Also called: Presenile and senile dementia; Alzheimer's disease. Identifiers: Orphanet 1020, MedGen C0002395, MeSH D000544, MONDO:0004975, HP:0002511.

Submission:

Labcorp Genetics (formerly Invitae), Labcorp
Classification: Uncertain significance for Alzheimer disease. Last evaluated: 2022-01-04. Review status: criteria provided, single submitter. Criteria: Invitae Variant Classification Sherloc (09022015). Collection method: clinical testing. Allele origin: germline.
Comment: In summary, the available evidence is currently insufficient to determine the role of this variant in disease. Therefore, it has been classified as a Variant of Uncertain Significance. Variants that disrupt the consensus splice site are a relatively common cause of aberrant splicing (PMID: 17576681, 9536098). Algorithms developed to predict the effect of sequence changes on RNA splicing suggest that this variant is not likely to affect RNA splicing. This variant has not been reported in the literature in individuals affected with APP-related conditions. This variant is not present in population databases (gnomAD no frequency). This sequence change falls in intron 2 of the APP gene. It does not directly change the encoded amino acid sequence of the APP protein. It affects a nucleotide within the consensus splice site.

Literature cited by the submitters: PubMed 17576681; PubMed 9536098.

NM_000484.4(APP):c.226-3C>T

Gene: APP (amyloid beta precursor protein; minus strand). Cytogenetic location: 21q21.3.
Variant type: single nucleotide variant.
Coding change: c.226-3C>T on transcript NM_000484.4 (MANE Select); 3 bases into the intron before coding-DNA position 226, C replaced by T.
Molecular consequence: intron variant.
Genome position (GRCh38, 1-based): chr21:26,090,075, G>A on the plus strand (C>T on the coding strand, the complement: APP is on the minus strand). VCF-style: chr21-26090075-G-A. GRCh37 (hg19) VCF-style: chr21-27462391-G-A.
Other names: c.121-3C>T (NM_001136131.3); c.58-3C>T (NM_001136129.3, NM_001136130.3); c.226-3C>T (NM_001204303.2, NM_201414.3, NM_001385253.1 and 3 more transcripts); c.211-3C>T (NM_001136016.3).
Identifiers: ClinVar variation 2050845 (VCV002050845.4), dbSNP rs2517097872, ClinGen allele CA2580098539.